The following is an entry in ClinVar:

ClinVar aggregate classification (germline): Uncertain significance (1 of 4 stars; one submission).

gnomAD v4.1: 8 of 1,613,688 alleles (0.0005%); highest among the groups gnomAD compares: Admixed American, 0.005%; 1 homozygote.

Submission:

Labcorp Genetics (formerly Invitae), Labcorp
Classification: Uncertain significance. Last evaluated: 2025-12-16. Review status: criteria provided, single submitter. Criteria: Invitae Variant Classification Sherloc (09022015). Collection method: clinical testing. Allele origin: germline.
Comment: This sequence change replaces tyrosine, which is neutral and polar, with cysteine, which is neutral and slightly polar, at codon 200 of the SLC12A2 protein (p.Tyr200Cys). This variant is present in population databases (rs749264118, gnomAD 0.009%). This variant has not been reported in the literature in individuals affected with SLC12A2-related conditions. Invitae Evidence Modeling of protein sequence and biophysical properties (such as structural, functional, and spatial information, amino acid conservation, physicochemical variation, residue mobility, and thermodynamic stability) indicates that this missense variant is not expected to disrupt SLC12A2 protein function with a negative predictive value of 95%. In summary, the available evidence is currently insufficient to determine the role of this variant in disease. Therefore, it has been classified as a Variant of Uncertain Significance.

NM_001046.3(SLC12A2):c.599A>G (p.Tyr200Cys)

Gene: SLC12A2 (solute carrier family 12 member 2; plus strand). Cytogenetic location: 5q23.3.
Variant type: single nucleotide variant.
Coding change: c.599A>G on transcript NM_001046.3 (MANE Select); coding-DNA position 599, A replaced by G.
Protein change: p.Tyr200Cys; replaces tyrosine 200 with cysteine.
Molecular consequence: missense variant. On other transcripts: non-coding transcript variant (1).
Genome position (GRCh38, 1-based): chr5:128,084,553, A>G. VCF-style: chr5-128084553-A-G. GRCh37 (hg19) VCF-style: chr5-127420245-A-G.
Other names: c.599A>G, p.Tyr200Cys (NM_001256461.2); short protein forms Y200C.
Identifiers: ClinVar variation 4779288 (VCV004779288.1).
Genomic context (GRCh38, chr5:128,084,553, plus strand): 5'-GCGAGGGCAGCAGCCTGCACTCCGGCGGCGGCGGCGGCAGTGGGCACCACCAGCACTACT[A>G]TTATGATACCCACACCAACACCTACTACCTGCGCACCTTCGGCCACAACACCATGGACGC-3'
Protein context (NP_001037.1, residues 190-210): GGGSGHHQHY[Tyr200Cys]YDTHTNTYYL